The following is an entry in ClinVar:

ClinVar aggregate classification (germline): Uncertain significance (1 of 4 stars; one submission).

Conditions:
Charcot-Marie-Tooth disease axonal type 2O. Also called: CHARCOT-MARIE-TOOTH NEUROPATHY, AXONAL, TYPE 2O; CHARCOT-MARIE-TOOTH DISEASE, AXONAL, AUTOSOMAL DOMINANT, TYPE 2O; Charcot-Marie-Tooth Neuropathy Type 2O; Charcot-Marie-Tooth disease, axonal, type 20. Identifiers: Orphanet 284232, MedGen C3280220, MONDO:0013644, OMIM 614228.

Allele frequency attached by ClinVar (database versions not stated): gnomAD exomes below 0.00001.

Submission:

Labcorp Genetics (formerly Invitae), Labcorp
Classification: Uncertain significance for Charcot-Marie-Tooth disease axonal type 2O. Last evaluated: 2018-10-24. Review status: criteria provided, single submitter. Criteria: Invitae Variant Classification Sherloc (09022015). Collection method: clinical testing. Allele origin: germline.
Comment: This sequence change creates a premature translational stop signal (p.Arg728*) in the DYNC1H1 gene. It is expected to result in an absent or disrupted protein product. This variant is not present in population databases (ExAC no frequency). This variant has not been reported in the literature in individuals with DYNC1H1-related disease. The current clinical and genetic evidence is not sufficient to establish whether loss-of-function variants in DYNC1H1 cause disease. In summary, the available evidence is currently insufficient to determine the role of this variant in disease. Therefore, it has been classified as a Variant of Uncertain Significance.

NM_001376.5(DYNC1H1):c.2182C>T (p.Arg728Ter)

Gene: DYNC1H1 (dynein cytoplasmic 1 heavy chain 1; plus strand). Cytogenetic location: 14q32.31.
Variant type: single nucleotide variant.
Coding change: c.2182C>T on transcript NM_001376.5 (MANE Select); coding-DNA position 2182, C replaced by T.
Protein change: p.Arg728Ter; replaces arginine 728 with a stop codon.
Molecular consequence: nonsense.
Genome position (GRCh38, 1-based): chr14:101,986,407, C>T. VCF-style: chr14-101986407-C-T. GRCh37 (hg19) VCF-style: chr14-102452744-C-T.
Other names: short protein forms R728*.
Identifiers: ClinVar variation 656903 (VCV000656903.8), dbSNP rs1595601098, ClinGen allele CA391021499.